The following is an entry in ClinVar:

ClinVar aggregate classification (germline): Uncertain significance (1 of 4 stars; one submission).

gnomAD v4.1: 1 of 1,614,018 alleles (0.000062%); no homozygotes.

Submission:

Labcorp Genetics (formerly Invitae), Labcorp
Classification: Uncertain significance. Last evaluated: 2025-07-09. Review status: criteria provided, single submitter. Criteria: Invitae Variant Classification Sherloc (09022015). Collection method: clinical testing. Allele origin: germline.
Comment: This sequence change affects codon 325 of the SEC61A1 mRNA. It is a 'silent' change, meaning that it does not change the encoded amino acid sequence of the SEC61A1 protein. This variant also falls at the last nucleotide of exon 9, which is part of the consensus splice site for this exon. This variant is not present in population databases (gnomAD no frequency). This variant has not been reported in the literature in individuals affected with SEC61A1-related conditions. ClinVar contains an entry for this variant (Variation ID: 2801091). Variants that disrupt the consensus splice site are a relatively common cause of aberrant splicing (PMID: 17576681, 9536098). Algorithms developed to predict the effect of sequence changes on RNA splicing suggest that this variant may disrupt the consensus splice site. In summary, the available evidence is currently insufficient to determine the role of this variant in disease. Therefore, it has been classified as a Variant of Uncertain Significance.

Literature cited by the submitters: PubMed 17576681; PubMed 9536098.

NM_013336.4(SEC61A1):c.975G>A (p.Ser325=)

Genes: SEC61A1 (SEC61 translocon subunit alpha 1; plus strand), RUVBL1 (RuvB like AAA ATPase 1; minus strand). Cytogenetic location: 3q21.3.
Variant type: single nucleotide variant.
Coding change: c.975G>A on transcript NM_013336.4 (MANE Select); coding-DNA position 975, G replaced by A.
Protein change: p.Ser325=; no amino-acid change (serine 325 retained).
Molecular consequence: synonymous variant. On other transcripts: intron variant (1).
Genome position (GRCh38, 1-based): chr3:128,067,151, G>A. VCF-style: chr3-128067151-G-A. GRCh37 (hg19) VCF-style: chr3-127785994-G-A.
Other names: c.993G>A, p.Ser331= (NM_001400328.1); c.816G>A, p.Ser272= (NM_001400329.1); c.940-1931C>T (NM_001319086.1).
Identifiers: ClinVar variation 2801091 (VCV002801091.3), dbSNP rs1037950065, ClinGen allele CA435763292.
Genomic context (GRCh38, chr3:128,067,151, plus strand): 5'-CCAAATGCTCTCAGCTCGCTTCAGTGGCAACTTGCTGGTCAGCCTGCTGGGCACCTGGTC[G>A]GTAAGTAGGCTCTTTGAAGATGAGCTAGCAATGCAGCTAAGTTGCAGTGGTTTCTATCAG-3'
Protein context (NP_037468.1, residues 315-335): NLLVSLLGTW[Ser325=]DTSSGGPARA